The following is an entry in ClinVar:

ClinVar aggregate classification (germline): Pathogenic (1 of 4 stars; one submission).

Conditions:
Autosomal recessive nonsyndromic hearing loss 4 (DFNB4). Also called: Deafness, autosomal recessive 4, with enlarged vestibular aqueduct; FOXI1-Related Pendred Syndrome; KCNJ10-Related Pendred Syndrome; DEAFNESS, AUTOSOMAL RECESSIVE 4, WITH ENLARGED VESTIBULAR AQUEDUCT, DIGENIC; Deafness, autosomal recessive 4; NEUROSENSORY NONSYNDROMIC RECESSIVE DEAFNESS 4. Identifiers: Orphanet 90636, MedGen C3538946, MONDO:0010933, OMIM 600791.

Submission:

Precision Medicine Center, Zhengzhou University
Classification: Pathogenic for Autosomal recessive nonsyndromic hearing loss 4. Review status: criteria provided, single submitter. Criteria: ACMG Guidelines, 2015. Collection method: research. Allele origin: germline. Affected: yes.
Comment: PVS1: Null variant in the gene with established LOF as a disease mechanism PM2: not found in gnomAD PM3: Pathogenic mutation confirmed in trans in one patient PP4: Patient's phenotype highly specific for gene

NM_000441.2(SLC26A4):c.1786C>T (p.Gln596Ter)

Gene: SLC26A4 (solute carrier family 26 member 4; plus strand). Cytogenetic location: 7q22.3.
Variant type: single nucleotide variant.
Coding change: c.1786C>T on transcript NM_000441.2 (MANE Select); coding-DNA position 1786, C replaced by T.
Protein change: p.Gln596Ter; replaces glutamine 596 with a stop codon.
Molecular consequence: nonsense.
Genome position (GRCh38, 1-based): chr7:107,701,179, C>T. VCF-style: chr7-107701179-C-T. GRCh37 (hg19) VCF-style: chr7-107341624-C-T.
Other names: short protein forms Q596*.
Identifiers: ClinVar variation 1065203 (VCV001065203.1), dbSNP rs1476190682, ClinGen allele CA368842985.